The following is an entry in ClinVar:

NM_003242.6(TGFBR2):c.1130A>G (p.His377Arg)

Gene: TGFBR2 (transforming growth factor beta receptor 2; plus strand). Cytogenetic location: 3p24.1.
Variant type: single nucleotide variant.
Coding change: c.1130A>G on transcript NM_003242.6 (MANE Select); coding-DNA position 1130, A replaced by G.
Protein change: p.His377Arg; replaces histidine 377 with arginine.
Molecular consequence: missense variant.
Genome position (GRCh38, 1-based): chr3:30,672,313, A>G. VCF-style: chr3-30672313-A-G. GRCh37 (hg19) VCF-style: chr3-30713805-A-G.
Other names: c.1205A>G, p.His402Arg (NM_001024847.3); c.1313A>G, p.His438Arg (NM_001407126.1); c.1238A>G, p.His413Arg (NM_001407127.1); c.1157A>G, p.His386Arg (NM_001407128.1); c.1133A>G, p.His378Arg (NM_001407129.1); c.1130A>G, p.His377Arg (NM_001407130.1); c.1025A>G, p.His342Arg (NM_001407132.1, NM_001407133.1, NM_001407134.1 and 2 more transcripts); c.845A>G, p.His282Arg (NM_001407137.1); and 1 more; short protein forms H377R, H402R, H282R, H257R, H342R, H413R, H378R, H386R.
Identifiers: ClinVar variation 543894 (VCV000543894.6), dbSNP rs1553630274, ClinGen allele CA351808600.
Genomic context (GRCh38, chr3:30,672,313, plus strand): 5'-GGATTGCTCACCTCCACAGTGATCACACTCCATGTGGGAGGCCCAAGATGCCCATCGTGC[A>G]CAGGGACCTCAAGAGCTCCAATATCCTCGTGAAGAACGACCTAACCTGCTGCCTGTGTGA-3'
Protein context (NP_003233.4, residues 367-387): PCGRPKMPIV[His377Arg]RDLKSSNILV

ClinVar aggregate classification (germline): Pathogenic (1 of 4 stars; one submission).

Conditions:
Familial thoracic aortic aneurysm and aortic dissection (TAAD). Also called: Thoracic aortic aneurysms and dissections. Identifiers: Orphanet 91387, MedGen C4707243, MONDO:0019625.

Submission:

Labcorp Genetics (formerly Invitae), Labcorp
Classification: Pathogenic for Familial thoracic aortic aneurysm and aortic dissection. Last evaluated: 2023-03-23. Review status: criteria provided, single submitter. Criteria: Invitae Variant Classification Sherloc (09022015). Collection method: clinical testing. Allele origin: germline.
Comment: This sequence change replaces histidine, which is basic and polar, with arginine, which is basic and polar, at codon 377 of the TGFBR2 protein (p.His377Arg). This variant is not present in population databases (gnomAD no frequency). This missense change has been observed in individual(s) with clinical features of TGFBR2-related conditions (PMID: 22113417, 27879313; Invitae). In at least one individual the variant was observed to be de novo. This variant is also known as p.His378Arg. ClinVar contains an entry for this variant (Variation ID: 543894). Advanced modeling performed at Invitae incorporating data from internal and/or published experimental studies (Invitae) indicates that this missense variant is expected to disrupt TGFBR2 function. For these reasons, this variant has been classified as Pathogenic.

Literature cited by the submitters: PubMed 22113417; PubMed 27879313.